The following is an entry in ClinVar:

NM_001128205.2(SULF1):c.2284C>T (p.Leu762=)

Gene: SULF1 (sulfatase 1; plus strand). Cytogenetic location: 8q13.3.
Variant type: single nucleotide variant.
Coding change: c.2284C>T on transcript NM_001128205.2 (MANE Select); coding-DNA position 2284, C replaced by T.
Protein change: p.Leu762=; no amino-acid change (leucine 762 retained).
Molecular consequence: synonymous variant. On other transcripts: missense variant (3), non-coding transcript variant (7).
Genome position (GRCh38, 1-based): chr8:69,629,679, C>T. VCF-style: chr8-69629679-C-T. GRCh37 (hg19) VCF-style: chr8-70541914-C-T.
Other names: c.2284C>T, p.Leu762= (NM_001412829.1, NM_001412830.1, NM_001412831.1 and 7 more transcripts); c.2155C>T, p.Leu719= (NM_001412832.1, NM_001412838.1, NM_001412839.1 and 1 more transcripts); c.2227C>T, p.Leu743= (NM_001412836.1, NM_001412837.1); c.2098C>T, p.Leu700= (NM_001412841.1, NM_001412842.1); c.2284C>T, p.Pro762Ser (NM_001412843.1, NM_001412850.1, NM_001412851.1); c.1684C>T, p.Leu562= (NM_001412844.1, NM_001412845.1); c.493C>T, p.Leu165= (NM_001412846.1); short protein forms P762S.
Identifiers: ClinVar variation 2067227 (VCV002067227.4), dbSNP rs370600729, ClinGen allele CA4776115.

ClinVar aggregate classification (germline): Uncertain significance (1 of 4 stars; one submission).

Allele frequency attached by ClinVar (database versions not stated): TOPMed 0.00009; ESP Exome Variant Server 0.00015; gnomAD 0.00015; ExAC 0.00020; 1000 Genomes Project 30x 0.00078; 1000 Genomes Project 0.00080.
gnomAD v4.1: 152 of 1,596,896 alleles (0.0095%); highest among the groups gnomAD compares: South Asian, 0.14%; 1 homozygote.

Submission:

Labcorp Genetics (formerly Invitae), Labcorp
Classification: Uncertain significance. Last evaluated: 2025-03-13. Review status: criteria provided, single submitter. Criteria: Invitae Variant Classification Sherloc (09022015). Collection method: clinical testing. Allele origin: germline.
Comment: This sequence change affects codon 762 of the SULF1 mRNA. It is a 'silent' change, meaning that it does not change the encoded amino acid sequence of the SULF1 protein. It affects a nucleotide within the consensus splice site. This variant is present in population databases (rs370600729, gnomAD 0.1%), and has an allele count higher than expected for a pathogenic variant. This variant has not been reported in the literature in individuals affected with SULF1-related conditions. ClinVar contains an entry for this variant (Variation ID: 2067227). Algorithms developed to predict the effect of sequence changes on RNA splicing suggest that this variant is not likely to affect RNA splicing. In summary, the available evidence is currently insufficient to determine the role of this variant in disease. Therefore, it has been classified as a Variant of Uncertain Significance.